The following is an entry in ClinVar:

ClinVar aggregate classification (germline): Uncertain significance. Review status: criteria provided, multiple submitters, no conflicts (2 of 4 stars). 2 submissions from 2 submitters: Uncertain significance (2). Last evaluated 2023-10-03.

Conditions:
Inborn genetic diseases. Identifiers: MedGen C0950123, MeSH D030342.

Allele frequency attached by ClinVar (database versions not stated): TOPMed below 0.00001; ExAC 0.00001; gnomAD 0.00001.
gnomAD v4.1: 1 of 1,613,372 alleles (0.000062%); highest among the groups gnomAD compares: Non-Finnish European, 0.000085%; no homozygotes.

Submissions (2):

Labcorp Genetics (formerly Invitae), Labcorp
Classification: Uncertain significance. Last evaluated: 2023-10-03. Review status: criteria provided, single submitter. Criteria: Invitae Variant Classification Sherloc (09022015). Collection method: clinical testing. Allele origin: germline.
Comment: This sequence change replaces phenylalanine, which is neutral and non-polar, with leucine, which is neutral and non-polar, at codon 1134 of the ATR protein (p.Phe1134Leu). This variant is present in population databases (rs760692449, gnomAD 0.0009%). This variant has not been reported in the literature in individuals affected with ATR-related conditions. ClinVar contains an entry for this variant (Variation ID: 1731070). An algorithm developed to predict the effect of missense changes on protein structure and function (PolyPhen-2) suggests that this variant is likely to be disruptive. In summary, the available evidence is currently insufficient to determine the role of this variant in disease. Therefore, it has been classified as a Variant of Uncertain Significance.

Ambry Genetics
Classification: Uncertain significance for Inborn genetic diseases. Last evaluated: 2022-05-03. Review status: criteria provided, single submitter. Criteria: Ambry Variant Classification Scheme 2023. Collection method: clinical testing. Allele origin: germline.
Comment: The p.F1134L variant (also known as c.3400T>C), located in coding exon 17 of the ATR gene, results from a T to C substitution at nucleotide position 3400. The phenylalanine at codon 1134 is replaced by leucine, an amino acid with highly similar properties. This amino acid position is conserved. In addition, this alteration is predicted to be deleterious by in silico analysis. Since supporting evidence is limited at this time, the clinical significance of this alteration remains unclear.

NM_001184.4(ATR):c.3400T>C (p.Phe1134Leu)

Gene: ATR (ATR checkpoint kinase; minus strand). Cytogenetic location: 3q23.
Variant type: single nucleotide variant.
Coding change: c.3400T>C on transcript NM_001184.4 (MANE Select); coding-DNA position 3400, T replaced by C.
Protein change: p.Phe1134Leu; replaces phenylalanine 1134 with leucine.
Molecular consequence: missense variant.
Genome position (GRCh38, 1-based): chr3:142,542,715, A>G on the plus strand (T>C on the coding strand, the complement: ATR is on the minus strand). VCF-style: chr3-142542715-A-G. GRCh37 (hg19) VCF-style: chr3-142261557-A-G.
Other names: c.3208T>C, p.Phe1070Leu (NM_001354579.2); short protein forms F1070L, F1134L.
Identifiers: ClinVar variation 1731070 (VCV001731070.7), dbSNP rs760692449, ClinGen allele CA2650119.